The following is an entry in ClinVar:

NM_139125.4(MASP1):c.1530A>C (p.Pro510=)

Gene: MASP1 (MBL associated serine protease 1; minus strand). Cytogenetic location: 3q27.3.
Variant type: single nucleotide variant.
Coding change: c.1530A>C on transcript NM_139125.4 (MANE Select); coding-DNA position 1530, A replaced by C.
Protein change: p.Pro510=; no amino-acid change (proline 510 retained).
Molecular consequence: synonymous variant. On other transcripts: non-coding transcript variant (1), intron variant (1).
Genome position (GRCh38, 1-based): chr3:187,236,341, T>G on the plus strand (A>C on the coding strand, the complement: MASP1 is on the minus strand). VCF-style: chr3-187236341-T-G. GRCh37 (hg19) VCF-style: chr3-186954129-T-G.
Other names: c.1303+5140A>C (NM_001879.6).
Identifiers: ClinVar variation 1330433 (VCV001330433.31), dbSNP rs200791230, ClinGen allele CA2749238.
Genomic context (GRCh38, chr3:187,236,341, plus strand): 5'-CCCCGATTTGTCTCGCACATCATGCAAGCCCAGGTAGACGGTGACATGCTCCTTGGAGAC[T>G]GGTATCACCGTGGTGTCTCTACGCTGGGAGCGCAGCACATGAGCTGCTGTGAGGATCCAG-3'
Protein context (NP_624302.1, residues 500-520): RSQRRDTTVI[Pro510=]VSKEHVTVYL

ClinVar aggregate classification (germline): Likely benign. Review status: criteria provided, multiple submitters, no conflicts (2 of 4 stars). 2 submissions from 2 submitters: Likely benign (2). Last evaluated 2022-12-01.

Conditions:
3MC syndrome 1. Also called: OCULOPALATOSKELETAL SYNDROME; CRANIOSYNOSTOSIS WITH LID ANOMALIES; MICHELS SYNDROME. Identifiers: Orphanet 293843, MedGen C0796059, MONDO:0009770, OMIM 257920.

Allele frequency attached by ClinVar (database versions not stated): gnomAD 0.00003; TOPMed 0.00003.

Submissions (2):

CeGaT Center for Human Genetics Tuebingen
Classification: Likely benign. Last evaluated: 2022-12-01. Review status: criteria provided, single submitter. Criteria: CeGaT Center For Human Genetics Tuebingen Variant Classification Criteria Version 2. Collection method: clinical testing. Allele origin: germline. Affected: yes. Observed: 1 variant allele.
Comment: MASP1: BP4, BP7

ARUP Laboratories, Molecular Genetics and Genomics, ARUP Laboratories
Classification: Likely benign for 3MC syndrome 1. Last evaluated: 2021-07-30. Review status: criteria provided, single submitter. Criteria: ARUP Molecular Germline Variant Investigation Process 2021. Collection method: clinical testing. Allele origin: germline.